The following is an entry in ClinVar:

NM_000051.4(ATM):c.8592C>T (p.Tyr2864=)

Genes: ATM (ATM serine/threonine kinase; plus strand), C11orf65 (chromosome 11 open reading frame 65; minus strand). Cytogenetic location: 11q22.3.
Variant type: single nucleotide variant.
Coding change: c.8592C>T on transcript NM_000051.4 (MANE Select); coding-DNA position 8592, C replaced by T.
Protein change: p.Tyr2864=; no amino-acid change (tyrosine 2864 retained).
Molecular consequence: synonymous variant. On other transcripts: intron variant (2).
Genome position (GRCh38, 1-based): chr11:108,347,286, C>T. VCF-style: chr11-108347286-C-T. GRCh37 (hg19) VCF-style: chr11-108218013-C-T.
Other names: p.Y2864Y:TAC>TAT; p.Tyr2864=; c.8592C>T, p.Tyr2864= (NM_001351834.2); c.641-38215G>A (NM_001330368.2); c.695-11994G>A (NM_001351110.2).
Identifiers: ClinVar variation 135782 (VCV000135782.81), dbSNP rs56025670, ClinGen allele CA289525.

ClinVar aggregate classification (germline): Benign/Likely benign. Review status: criteria provided, multiple submitters, no conflicts (2 of 4 stars). 29 submissions from 29 submitters: Benign (8); Likely benign (11). 10 of the submissions do not count toward it. Last evaluated 2026-09-01.

Conditions:
ATM-related disorder. Also called: ATM-related disorders; ATM-related condition.
Hereditary cancer-predisposing syndrome. Also called: Neoplastic Syndromes, Hereditary; Hereditary Cancer Syndrome; Tumor predisposition; Hereditary neoplastic syndrome. Identifiers: Orphanet 140162, MedGen C0027672, MeSH D009386, MONDO:0015356.
Breast and/or ovarian cancer. Identifiers: MedGen CN221562.
Ataxia-telangiectasia syndrome (AT). Also called: Ataxia-telangiectasia, complementation group D; AT, COMPLEMENTATION GROUP C; Ataxia-telangiectasia; ATAXIA-TELANGIECTASIA, COMPLEMENTATION GROUP A; ATAXIA-TELANGIECTASIA, FRESNO VARIANT; Ataxia-telangiectasia, complementation group E. Identifiers: Orphanet 100, MedGen C0004135, MONDO:0008840, OMIM 208900.
Familial cancer of breast. Also called: BREAST CANCER, FAMILIAL; hereditary breast carcinoma; Hereditary breast cancer. Identifiers: Orphanet 227535, MedGen C0346153, MONDO:0016419, OMIM 114480. Disease mechanism: loss of function.
Malignant tumor of breast. Also called: Malignant breast neoplasm; Cancer breast. Identifiers: MedGen C0006142, MONDO:0007254. Disease mechanism: loss of function.

Allele frequency attached by ClinVar (database versions not stated): 1000 Genomes Project 0.00040; ESP Exome Variant Server 0.00046; TOPMed 0.00048; gnomAD exomes 0.00044 and 0.00092; 1000 Genomes Project 30x 0.00047; gnomAD 0.00051; ExAC 0.00042.
gnomAD v4.1: 1,390 of 1,607,654 alleles (0.086%); highest among the groups gnomAD compares: Non-Finnish European, 0.11%; 1 homozygote.

Submissions 1 to 21 of 29:

CeGaT Center for Human Genetics Tuebingen
Classification: Likely benign. Last evaluated: 2026-09-01. Review status: criteria provided, single submitter. Criteria: CeGaT Center For Human Genetics Tuebingen Variant Classification Criteria Version 2. Collection method: clinical testing. Allele origin: germline. Affected: yes. Observed: 14 variant alleles.
Comment: ATM: BP4, BP7

Institute for Biomarker Research, Medical Diagnostic Laboratories, L.L.C.
Classification: Benign for Hereditary cancer-predisposing syndrome. Last evaluated: 2026-04-07. Review status: criteria provided, single submitter. Criteria: ACMG Guidelines, 2015. Collection method: clinical testing. Allele origin: germline.
Comment: The synonymous variant NM_000051.4(ATM):c.8592C>T (p.Tyr2864=) has been reported to ClinVar as Benign/Likely benign with a status of (2 stars) criteria provided, multiple submitters, no conflicts (Accession: VCV000135782.75). The p.Tyr2864= variant is observed in 102/112,592 (0.0906%) alleles from individuals of gnomAD Non Finnish European background in gnomAD, which is greater than expected for the disorder. The p.Tyr2864= variant is not predicted to disrupt the existing acceptor splice site 8bp upstream by any splice site algorithm. The p.Tyr2864= variant results in a substitution of a base that is not predicted conserved by GERP++ and PhyloP. For these reasons, this variant has been classified as Benign.

Labcorp Genetics (formerly Invitae), Labcorp
Classification: Benign for Ataxia-telangiectasia syndrome. Last evaluated: 2026-02-02. Review status: criteria provided, single submitter. Criteria: Invitae Variant Classification Sherloc (09022015). Collection method: clinical testing. Allele origin: germline.

Mayo Clinic Laboratories, Mayo Clinic
Classification: Likely benign. Last evaluated: 2025-07-31. Review status: criteria provided, single submitter. Criteria: ACMG Guidelines, 2015. Collection method: clinical testing. Allele origin: germline. Observed: 5 variant alleles.
Comment: BS1, BP4, BP7

Center for Genomic Medicine, Rigshospitalet, Copenhagen University Hospital
Classification: Likely benign. Last evaluated: 2025-03-04. Review status: criteria provided, single submitter. Criteria: ACMG Guidelines, 2015. Collection method: clinical testing. Allele origin: germline.

Quest Diagnostics Nichols Institute San Juan Capistrano
Classification: Benign. Last evaluated: 2025-02-10. Review status: criteria provided, single submitter. Criteria: Quest Diagnostics criteria. Collection method: clinical testing. Allele origin: unknown.

Blueprint Genetics
Classification: Likely benign. Last evaluated: 2024-11-25. Review status: criteria provided, single submitter. Criteria: ACMG Guidelines, 2015. Collection method: clinical testing. Allele origin: germline.

Myriad Genetics, Inc.
Classification: Benign for Familial cancer of breast. Last evaluated: 2024-06-20. Review status: criteria provided, single submitter. Criteria: Myriad Autosomal Dominant, Autosomal Recessive and X-Linked Classification Criteria (2023). Collection method: clinical testing. Allele origin: unknown.
Comment: This variant is considered benign. This variant is a silent/synonymous amino acid change and it is not expected to impact splicing.

Women's Health and Genetics/Laboratory Corporation of America, LabCorp
Classification: Benign. Last evaluated: 2024-05-13. Review status: criteria provided, single submitter. Criteria: LabCorp Variant Classification Summary - May 2015. Collection method: clinical testing. Allele origin: germline.
Comment: Variant summary: ATM c.8592C>T alters a non-conserved nucleotide resulting in a synonymous change. Consensus agreement among computation tools predict no significant impact on normal splicing. However, these predictions have yet to be confirmed by functional studies. The variant allele was found at a frequency of 0.00086 in 1607654 control chromosomes, predominantly at a frequency of 0.0011 within the Non-Finnish European subpopulation in the gnomAD database, including 1 homozygote. The observed variant frequency within Non-Finnish European control individuals in the gnomAD database is approximately 1.1 fold of the estimated maximal expected allele frequency for a pathogenic variant in ATM causing Breast Cancer phenotype (0.001), strongly suggesting that the variant is a benign polymorphism found primarily in populations of Non-Finnish European origin. c.8592C>T has been reported in the literature in individuals with several types of cancers including but not limited to breast cancer and chronic lymphocytic leukemia (Thorstenson_2003, Bernstein_2010, Skowronska_2011, Petereit _2013). These reports however, do not provide unequivocal conclusions about association of the variant with breast cancer. At least one publication reports experimental evidence evaluating an impact on protein function, however, does not allow convincing conclusions about the variant effect. The following publications have been ascertained in the context of this evaluation (PMID: 17344846, 12810666, 21933854, 24416720, 20305132). ClinVar contains an entry for this variant (Variation ID: 135782). Based on the evidence outlined above, the variant was classified as benign.

ARUP Laboratories, Molecular Genetics and Genomics, ARUP Laboratories
Classification: Likely benign. Last evaluated: 2024-01-18. Review status: criteria provided, single submitter. Criteria: ARUP Molecular Germline Variant Investigation Process 2024. Collection method: clinical testing. Allele origin: germline.

CHEO Genetics Diagnostic Laboratory, Children's Hospital of Eastern Ontario
Classification: Likely benign for Breast and/or ovarian cancer. Last evaluated: 2023-04-18. Review status: criteria provided, single submitter. Criteria: ACMG Guidelines, 2015. Collection method: clinical testing. Allele origin: germline.

Sema4
Classification: Likely benign for Hereditary cancer-predisposing syndrome. Last evaluated: 2021-07-16. Review status: criteria provided, single submitter. Criteria: Sema4 Curation Guidelines. Collection method: curation. Allele origin: germline.

Genetic Services Laboratory, University of Chicago
Classification: Benign. Last evaluated: 2021-05-19. Review status: criteria provided, single submitter. Criteria: ACMG Guidelines, 2015. Collection method: clinical testing. Allele origin: germline. Affected: no.

Athena Diagnostics
Classification: Benign. Last evaluated: 2021-01-27. Review status: criteria provided, single submitter. Criteria: Athena Diagnostics criteria. Collection method: clinical testing. Allele origin: unknown.

Mendelics
Classification: Likely benign for Ataxia-telangiectasia syndrome. Last evaluated: 2019-05-28. Review status: criteria provided, single submitter. Criteria: Mendelics Assertion Criteria 2017. Collection method: clinical testing. Allele origin: unknown.

Color Diagnostics, LLC DBA Color Health
Classification: Likely benign for Hereditary cancer-predisposing syndrome. Last evaluated: 2015-06-01. Review status: criteria provided, single submitter. Criteria: ACMG Guidelines, 2015. Collection method: clinical testing. Allele origin: germline.

Ambry Genetics
Classification: Likely benign for Hereditary cancer-predisposing syndrome. Last evaluated: 2014-07-14. Review status: criteria provided, single submitter. Criteria: Ambry Variant Classification Scheme 2023. Collection method: clinical testing. Allele origin: germline.

GeneDx
Classification: Benign. Last evaluated: 2014-02-10. Review status: criteria provided, single submitter. Criteria: GeneDx Variant Classification (06012015). Collection method: clinical testing. Allele origin: germline. Affected: yes.
Comment: This variant is considered likely benign or benign based on one or more of the following criteria: it is a conservative change, it occurs at a poorly conserved position in the protein, it is predicted to be benign by multiple in silico algorithms, and/or has population frequency not consistent with disease.

Breakthrough Genomics
Classification: Likely benign. Review status: criteria provided, single submitter. Criteria: ACMG Guidelines, 2015. Collection method: not provided. Allele origin: germline. Inheritance: Autosomal recessive inheritance. Affected: yes.

PreventionGenetics, part of Exact Sciences
Classification: Likely benign for ATM-related condition. Last evaluated: 2024-05-13. Review status: no assertion criteria provided. Collection method: clinical testing. Allele origin: germline. Not counted in ClinVar's aggregate classification.
Comment: This variant is classified as likely benign based on ACMG/AMP sequence variant interpretation guidelines (Richards et al. 2015 PMID: 25741868, with internal and published modifications).

Clinical Genetics DNA and cytogenetics Diagnostics Lab, Erasmus MC, Erasmus Medical Center
Classification: Likely benign. Review status: no assertion criteria provided. Collection method: clinical testing. Allele origin: germline. Affected: yes. Study: VKGL Data-share Consensus. Not counted in ClinVar's aggregate classification.